The following is an entry in ClinVar:

ClinVar aggregate classification (germline): Benign. Review status: criteria provided, multiple submitters, no conflicts (2 of 4 stars). 4 submissions from 4 submitters: Benign (2). 2 of the submissions do not count toward it. Last evaluated 2018-01-12.

Conditions:
Congenital fibrosis of extraocular muscles type 1. Also called: CFEOM3B; BLEPHAROPTOSIS WITH ABSENT EYE MOVEMENTS; OPHTHALMOPLEGIA, CONGENITAL; FEOM1 LOCUS. Identifiers: MedGen C1851102, MONDO:0021083, OMIM 135700.

Allele frequency attached by ClinVar (database versions not stated): ESP Exome Variant Server 0.03291; ExAC 0.03685; 1000 Genomes Project 0.01617; 1000 Genomes Project 30x 0.01640; gnomAD 0.03329 and 0.03351; gnomAD exomes 0.03501 and 0.04499; TOPMed 0.02945.
gnomAD v4.1: 70,488 of 1,612,416 alleles (4.4%); highest among the groups gnomAD compares: Non-Finnish European, 5%; 1,786 homozygotes.

Submissions (4):

Illumina Laboratory Services, Illumina
Classification: Benign for Congenital fibrosis of extraocular muscles type 1. Last evaluated: 2018-01-12. Review status: criteria provided, single submitter. Criteria: ICSL Variant Classification Criteria 13 December 2019. Collection method: clinical testing. Allele origin: germline.
Comment: This variant was observed in the ICSL laboratory as part of a predisposition screen in an ostensibly healthy population. It had not been previously curated by ICSL or reported in the Human Gene Mutation Database (HGMD: prior to June 1st, 2018), and was therefore a candidate for classification through an automated scoring system. Utilizing variant allele frequency, disease prevalence and penetrance estimates, and inheritance mode, an automated score was calculated to assess if this variant is too frequent to cause the disease. Based on the score and internal cut-off values, a variant classified as benign is not then subjected to further curation. The score for this variant resulted in a classification of benign for this disease.

Breakthrough Genomics
Classification: Benign. Review status: criteria provided, single submitter. Criteria: ACMG Guidelines, 2015. Collection method: not provided. Allele origin: germline. Inheritance: Autosomal dominant inheritance. Affected: yes.

Genome Diagnostics Laboratory, University Medical Center Utrecht
Classification: Benign. Review status: no assertion criteria provided. Collection method: clinical testing. Allele origin: germline. Affected: yes. Study: VKGL Data-share Consensus. Not counted in ClinVar's aggregate classification.

Joint Genome Diagnostic Labs from Nijmegen and Maastricht, Radboudumc and MUMC+
Classification: Benign. Review status: no assertion criteria provided. Collection method: clinical testing. Allele origin: germline. Affected: yes. Study: VKGL Data-share Consensus. Not counted in ClinVar's aggregate classification.

NM_001173464.2(KIF21A):c.1880G>T (p.Gly627Val)

Gene: KIF21A (kinesin family member 21A; minus strand). Cytogenetic location: 12q12.
Variant type: single nucleotide variant.
Coding change: c.1880G>T on transcript NM_001173464.2 (MANE Select); coding-DNA position 1880, G replaced by T.
Protein change: p.Gly627Val; replaces glycine 627 with valine.
Molecular consequence: missense variant.
Genome position (GRCh38, 1-based): chr12:39,341,546, C>A on the plus strand (G>T on the coding strand, the complement: KIF21A is on the minus strand). VCF-style: chr12-39341546-C-A. GRCh37 (hg19) VCF-style: chr12-39735348-C-A.
Other names: c.1841G>T, p.Gly614Val (NM_001173463.2, NM_001173465.2, NM_017641.4); short protein forms G614V, G627V.
Identifiers: ClinVar variation 308576 (VCV000308576.9), dbSNP rs79089655, ClinGen allele CA6510911.
Genomic context (GRCh38, chr12:39,341,546, plus strand): 5'-TATACCAAAGGGCAAGTACCTTTTTCATCTGATTCAGAATCTGATTCATCAGAACTTTCA[C>A]CCCCATCAATGTCATCTTCCTCCTCCTCCTCCTCCTCTTCTTCATCCTCATGATCACTCA-3'
Protein context (NP_001166935.1, residues 617-637): EEEEEDDIDG[Gly627Val]ESSDESDSES